The following is an entry in ClinVar:

ClinVar aggregate classification (germline): Uncertain significance (1 of 4 stars; one submission).

Submission:

GeneDx
Classification: Uncertain significance. Last evaluated: 2024-04-03. Review status: criteria provided, single submitter. Criteria: GeneDx Variant Classification Process June 2021. Collection method: clinical testing. Allele origin: germline. Affected: yes.
Comment: Not observed at significant frequency in large population cohorts (gnomAD); In silico analysis supports that this missense variant does not alter protein structure/function; Has not been previously published as pathogenic or benign to our knowledge

NM_001136157.2(OTUD5):c.1695G>C (p.Lys565Asn)

Gene: OTUD5 (OTU deubiquitinase 5; minus strand). Cytogenetic location: Xp11.23.
Variant type: single nucleotide variant.
Coding change: c.1695G>C on transcript NM_001136157.2 (MANE Select); coding-DNA position 1695, G replaced by C.
Protein change: p.Lys565Asn; replaces lysine 565 with asparagine.
Molecular consequence: missense variant.
Genome position (GRCh38, 1-based): chrX:48,923,180, C>G on the plus strand (G>C on the coding strand, the complement: OTUD5 is on the minus strand). VCF-style: chrX-48923180-C-G. GRCh37 (hg19) VCF-style: chrX-48780457-C-G.
Other names: c.1695G>C, p.Lys565Asn (NM_001136158.2); c.1044G>C, p.Lys348Asn (NM_001136159.2); c.1710G>C, p.Lys570Asn (NM_017602.4); short protein forms K348N, K565N, K570N.
Identifiers: ClinVar variation 3371832 (VCV003371832.1).
Genomic context (GRCh38, chrX:48,923,180, plus strand): 5'-CCGGAGAGCAGGAGTACTGGGGTTGGGAGATGGTGTCCAATCCCTGGGTCTCCATCAACT[C>G]TTGTCTGGGGGCGGGTCTCTGTGCACTTTGTTTTTCTTCATACTGTCTAGGTATTCCTGT-3'
Protein context (NP_001129629.1, residues 555-566): NKVHRDPPPD[Lys565Asn]S